The following is an entry in ClinVar:

NM_005431.2(XRCC2):c.268C>G (p.Leu90Val)

Gene: XRCC2 (X-ray repair cross complementing 2; minus strand). Cytogenetic location: 7q36.1.
Variant type: single nucleotide variant.
Coding change: c.268C>G on transcript NM_005431.2 (MANE Select); coding-DNA position 268, C replaced by G.
Protein change: p.Leu90Val; replaces leucine 90 with valine.
Molecular consequence: missense variant.
Genome position (GRCh38, 1-based): chr7:152,649,217, G>C on the plus strand (C>G on the coding strand, the complement: XRCC2 is on the minus strand). VCF-style: chr7-152649217-G-C. GRCh37 (hg19) VCF-style: chr7-152346302-G-C.
Other names: p.L90V:CTC>GTC; short protein forms L90V.
Identifiers: ClinVar variation 127953 (VCV000127953.14), dbSNP rs587780127, ClinGen allele CA288128.

ClinVar aggregate classification (germline): Uncertain significance. Review status: criteria provided, multiple submitters, no conflicts (2 of 4 stars). 3 submissions from 3 submitters: Uncertain significance (3). Last evaluated 2024-09-20.

Conditions:
Hereditary cancer-predisposing syndrome. Also called: Hereditary neoplastic syndrome; Neoplastic Syndromes, Hereditary; Hereditary Cancer Syndrome; Tumor predisposition. Identifiers: Orphanet 140162, MedGen C0027672, MeSH D009386, MONDO:0015356.

Allele frequency attached by ClinVar (database versions not stated): gnomAD exomes below 0.00001; TOPMed 0.00001.

Submissions (3):

Ambry Genetics
Classification: Uncertain significance for Hereditary cancer-predisposing syndrome. Last evaluated: 2024-09-20. Review status: criteria provided, single submitter. Criteria: Ambry Variant Classification Scheme 2023. Collection method: clinical testing. Allele origin: germline.
Comment: The p.L90V variant (also known as c.268C>G), located in coding exon 3 of the XRCC2 gene, results from a C to G substitution at nucleotide position 268. The leucine at codon 90 is replaced by valine, an amino acid with highly similar properties. This variant was not reported in population based cohorts in the following databases: Database of Single Nucleotide Polymorphisms (dbSNP), NHLBI Exome Sequencing Project (ESP), and 1000 Genomes Project. In the ESP, this variant was not observed in 6503 samples (13006 alleles) with coverage at this position. This amino acid position is highly conserved in available vertebrate species. In addition, this alteration is predicted to be tolerated by in silico analysis. Since supporting evidence is limited at this time, the clinical significance of this alteration remains unclear.

Labcorp Genetics (formerly Invitae), Labcorp
Classification: Uncertain significance. Last evaluated: 2018-03-29. Review status: criteria provided, single submitter. Criteria: Invitae Variant Classification Sherloc (09022015). Collection method: clinical testing. Allele origin: germline.
Comment: Algorithms developed to predict the effect of missense changes on protein structure and function (SIFT, PolyPhen-2, Align-GVGD) all suggest that this variant is likely to be disruptive, but these predictions have not been confirmed by published functional studies and their clinical significance is uncertain. This variant has not been reported in the literature in individuals with XRCC2-related disease. ClinVar contains an entry for this variant (Variation ID: 127953). This variant is not present in population databases (ExAC no frequency). This sequence change replaces leucine with valine at codon 90 of the XRCC2 protein (p.Leu90Val). The leucine residue is highly conserved and there is a small physicochemical difference between leucine and valine. In summary, the available evidence is currently insufficient to determine the role of this variant in disease. Therefore, it has been classified as a Variant of Uncertain Significance.

GeneDx
Classification: Uncertain significance. Last evaluated: 2014-02-19. Review status: criteria provided, single submitter. Criteria: GeneDx Variant Classification (06012015). Collection method: clinical testing. Allele origin: germline. Affected: yes.
Comment: This variant is denoted XRCC2 c.268C>G at the cDNA level, p.Leu90Val (L90V) at the protein level, and results in the change of a Leucine to a Valine (CTC>GTC). This variant has not, to our knowledge, been published in the literature as pathogenic or benign. XRCC2 Leu90Val was not observed in approximately 6,500 individuals of European and African American ancestry in the NHLBI Exome Sequencing Project, indicating it is not a common benign variant in these populations. This variant is a conservative substitution of one neutral non-polar amino acid for another, altering a position that is fully conserved throughout evolution and is not located in a known functional domain (UniProt). Multiple in silico algorithms predict that this variant may be damaging to protein structure and function. Based on currently available information, it is unclear whether XRCC2 Leu90Val is pathogenic or benign. We consider it to be a variant of uncertain significance. Furthermore, XRCC2 has been only recently described in association with cancer predisposition and the risks are not well understood.